The following is an entry in ClinVar:

NM_014991.6(WDFY3):c.5723G>A (p.Arg1908His)

Gene: WDFY3 (WD repeat and FYVE domain containing 3; minus strand). Cytogenetic location: 4q21.23.
Variant type: single nucleotide variant.
Coding change: c.5723G>A on transcript NM_014991.6 (MANE Select); coding-DNA position 5723, G replaced by A.
Protein change: p.Arg1908His; replaces arginine 1908 with histidine.
Molecular consequence: missense variant.
Genome position (GRCh38, 1-based): chr4:84,753,713, C>T on the plus strand (G>A on the coding strand, the complement: WDFY3 is on the minus strand). VCF-style: chr4-84753713-C-T. GRCh37 (hg19) VCF-style: chr4-85674866-C-T.
Other names: short protein forms R1908H.
Identifiers: ClinVar variation 2220401 (VCV002220401.2), dbSNP rs1217913024, ClinGen allele CA357561501.
Genomic context (GRCh38, chr4:84,753,713, plus strand): 5'-GACATTCTAATTCCAGTTCTGACATTTTCCTCCCCCTTTCCTACCATCTCTGAGTAAGGG[C>T]GAATATTGAAGGGGAAGACGGTGGCTGCTAATGCACACAGGAAGTCAGGGCTCATCCACA-3'
Protein context (NP_055806.2, residues 1898-1918): LAATVFPFNI[Arg1908His]PYSEMVTDLD

ClinVar aggregate classification (germline): Uncertain significance (1 of 4 stars; one submission).

Conditions:
Inborn genetic diseases. Identifiers: MedGen C0950123, MeSH D030342.

Submission:

Ambry Genetics
Classification: Uncertain significance for Inborn genetic diseases. Last evaluated: 2022-12-30. Review status: criteria provided, single submitter. Criteria: Ambry Variant Classification Scheme 2023. Collection method: clinical testing. Allele origin: germline.
Comment: The c.5723G>A (p.R1908H) alteration is located in exon 35 (coding exon 32) of the WDFY3 gene. This alteration results from a G to A substitution at nucleotide position 5723, causing the arginine (R) at amino acid position 1908 to be replaced by a histidine (H). This variant was not reported in population-based cohorts in the Genome Aggregation Database (gnomAD). This amino acid position is highly conserved in available vertebrate species. This alteration is predicted to be tolerated by in silico analysis. Based on insufficient or conflicting evidence, the clinical significance of this alteration remains unclear.